The following is an entry in ClinVar:

ClinVar aggregate classification (germline): Uncertain significance (1 of 4 stars; one submission).

Conditions:
Autosomal dominant hypocalcemia 1 (HYPOC1). Also called: HYPOCALCEMIA, FAMILIAL. Identifiers: MedGen C3715128, MONDO:0011013, OMIM 601198.
Familial hypocalciuric hypercalcemia (FHH). Also called: Familial benign hypercalcemia. Identifiers: Orphanet 405, MedGen C1809471, MONDO:0018458.

Submission:

Labcorp Genetics (formerly Invitae), Labcorp
Classification: Uncertain significance for Familial hypocalciuric hypercalcemia; Autosomal dominant hypocalcemia 1. Last evaluated: 2025-02-10. Review status: criteria provided, single submitter. Criteria: Invitae Variant Classification Sherloc (09022015). Collection method: clinical testing. Allele origin: germline.
Comment: This sequence change replaces glutamic acid, which is acidic and polar, with lysine, which is basic and polar, at codon 757 of the CASR protein (p.Glu757Lys). This variant is not present in population databases (gnomAD no frequency). This missense change has been observed in individual(s) with basal ganglia calcification and/or hypocalcemia (PMID: 30306783, 32513763). It has also been observed to segregate with disease in related individuals. ClinVar contains an entry for this variant (Variation ID: 1016628). An algorithm developed to predict the effect of missense changes on protein structure and function (PolyPhen-2) suggests that this variant is likely to be tolerated. In summary, the available evidence is currently insufficient to determine the role of this variant in disease. Therefore, it has been classified as a Variant of Uncertain Significance.

Literature cited by the submitters: PubMed 30306783; PubMed 32513763.

NM_000388.4(CASR):c.2269G>A (p.Glu757Lys)

Gene: CASR (calcium sensing receptor; plus strand). Cytogenetic location: 3q21.1.
Variant type: single nucleotide variant.
Coding change: c.2269G>A on transcript NM_000388.4 (MANE Select); coding-DNA position 2269, G replaced by A.
Protein change: p.Glu757Lys; replaces glutamic acid 757 with lysine.
Molecular consequence: missense variant.
Genome position (GRCh38, 1-based): chr3:122,284,223, G>A. VCF-style: chr3-122284223-G-A. GRCh37 (hg19) VCF-style: chr3-122003070-G-A.
Other names: c.2299G>A, p.Glu767Lys (NM_001178065.2); short protein forms E757K, E767K.
Identifiers: ClinVar variation 1016628 (VCV001016628.9), dbSNP rs2074935149, ClinGen allele CA354159239.